The following is an entry in ClinVar:

NM_001042492.3(NF1):c.3691G>C (p.Val1231Leu)

Gene: NF1 (neurofibromin 1; plus strand). Cytogenetic location: 17q11.2.
Variant type: single nucleotide variant.
Coding change: c.3691G>C on transcript NM_001042492.3 (MANE Select); coding-DNA position 3691, G replaced by C.
Protein change: p.Val1231Leu; replaces valine 1231 with leucine.
Molecular consequence: missense variant.
Genome position (GRCh38, 1-based): chr17:31,233,196, G>C. VCF-style: chr17-31233196-G-C. GRCh37 (hg19) VCF-style: chr17-29560214-G-C.
Other names: c.3691G>C, p.Val1231Leu (NM_000267.4); short protein forms V1231L.
Identifiers: ClinVar variation 1733970 (VCV001733970.2), dbSNP rs1597720248, ClinGen allele CA398990675.

ClinVar aggregate classification (germline): Uncertain significance (1 of 4 stars; one submission).

Conditions:
Hereditary cancer-predisposing syndrome. Also called: Neoplastic Syndromes, Hereditary; Tumor predisposition; Hereditary Cancer Syndrome; Hereditary neoplastic syndrome. Identifiers: Orphanet 140162, MedGen C0027672, MeSH D009386, MONDO:0015356.
Cardiovascular phenotype. Identifiers: MedGen CN230736.

Submission:

Ambry Genetics
Classification: Uncertain significance for Cardiovascular phenotype; Hereditary cancer-predisposing syndrome. Last evaluated: 2020-09-03. Review status: criteria provided, single submitter. Criteria: Ambry Variant Classification Scheme 2023. Collection method: clinical testing. Allele origin: germline.
Comment: The p.V1231L variant (also known as c.3691G>C), located in coding exon 27 of the NF1 gene, results from a G to C substitution at nucleotide position 3691. The valine at codon 1231 is replaced by leucine, an amino acid with highly similar properties. This amino acid position is highly conserved in available vertebrate species. In addition, this alteration is predicted to be deleterious by in silico analysis. Since supporting evidence is limited at this time, the clinical significance of this alteration remains unclear.